The following is an entry in ClinVar:

ClinVar aggregate classification (germline): Uncertain significance. Review status: criteria provided, multiple submitters, no conflicts (2 of 4 stars). 2 submissions from 2 submitters: Uncertain significance (2). Last evaluated 2025-08-23.

Allele frequency attached by ClinVar (database versions not stated): gnomAD exomes below 0.00001; TOPMed 0.00001; gnomAD 0.00001.
gnomAD v4.1: 3 of 1,560,810 alleles (0.00019%); highest among the groups gnomAD compares: Non-Finnish European, 0.00026%; no homozygotes.

Submissions (2):

Dasa
Classification: Uncertain significance. Last evaluated: 2025-08-23. Review status: criteria provided, single submitter. Criteria: DASA Assertion Criteria. Collection method: clinical testing. Allele origin: germline.
Comment: NM_033004.4(NLRP1):c.145A>G (p.Ser49Gly) is a missense variant that results in the substitution of serine with glycine. This variant is rare in population databases. Computational prediction algorithms are consistent with a deleterious effect. The currently available literature and clinical evidence are not sufficient to establish a definitive association between this variant and the reported condition. Therefore, this variant is classified as a variant of uncertain significance.

Labcorp Genetics (formerly Invitae), Labcorp
Classification: Uncertain significance. Last evaluated: 2024-10-15. Review status: criteria provided, single submitter. Criteria: Invitae Variant Classification Sherloc (09022015). Collection method: clinical testing. Allele origin: germline.
Comment: This sequence change replaces serine, which is neutral and polar, with glycine, which is neutral and non-polar, at codon 49 of the NLRP1 protein (p.Ser49Gly). This variant is not present in population databases (gnomAD no frequency). This variant has not been reported in the literature in individuals affected with NLRP1-related conditions. ClinVar contains an entry for this variant (Variation ID: 1373509). An algorithm developed to predict the effect of missense changes on protein structure and function outputs the following: PolyPhen-2: "Benign". The glycine amino acid residue is found in multiple mammalian species, which suggests that this missense change does not adversely affect protein function. In summary, the available evidence is currently insufficient to determine the role of this variant in disease. Therefore, it has been classified as a Variant of Uncertain Significance.

NM_033004.4(NLRP1):c.145A>G (p.Ser49Gly)

Gene: NLRP1 (NLR family pyrin domain containing 1; minus strand). Cytogenetic location: 17p13.2.
Variant type: single nucleotide variant.
Coding change: c.145A>G on transcript NM_033004.4 (MANE Select); coding-DNA position 145, A replaced by G.
Protein change: p.Ser49Gly; replaces serine 49 with glycine.
Molecular consequence: missense variant.
Genome position (GRCh38, 1-based): chr17:5,583,813, T>C on the plus strand (A>G on the coding strand, the complement: NLRP1 is on the minus strand). VCF-style: chr17-5583813-T-C. GRCh37 (hg19) VCF-style: chr17-5487133-T-C.
Other names: c.145A>G, p.Ser49Gly (NM_033006.4, NM_033007.4, NM_001033053.3 and 1 more transcripts); short protein forms S49G.
Identifiers: ClinVar variation 1373509 (VCV001373509.10), dbSNP rs199880477, ClinGen allele CA287293523.